The following is an entry in ClinVar:

ClinVar aggregate classification (germline): Uncertain significance (1 of 4 stars; one submission).

Submission:

GeneDx
Classification: Uncertain significance. Last evaluated: 2026-03-25. Review status: criteria provided, single submitter. Criteria: GeneDx Variant Classification Process June 2021. Collection method: clinical testing. Allele origin: germline.
Comment: Not observed at significant frequency in large population cohorts (gnomAD); In silico analysis supports that this missense variant has a deleterious effect on protein structure/function; Has not been previously published as pathogenic or benign to our knowledge

NM_006852.6(TLK2):c.1940T>G (p.Val647Gly)

Gene: TLK2 (tousled like kinase 2; plus strand). Cytogenetic location: 17q23.2.
Variant type: single nucleotide variant.
Coding change: c.1940T>G on transcript NM_006852.6 (MANE Select); coding-DNA position 1940, T replaced by G.
Protein change: p.Val647Gly; replaces valine 647 with glycine.
Molecular consequence: missense variant.
Genome position (GRCh38, 1-based): chr17:62,606,210, T>G. VCF-style: chr17-62606210-T-G. GRCh37 (hg19) VCF-style: chr17-60683571-T-G.
Other names: c.1751T>G, p.Val584Gly (NM_001438205.1); c.1982T>G, p.Val661Gly (NM_001375269.1); c.1940T>G, p.Val647Gly (NM_001375270.1, NM_001375271.1); c.1844T>G, p.Val615Gly (NM_001375272.1, NM_001438203.1, NM_001438204.1 and 1 more transcripts); c.1493T>G, p.Val498Gly (NM_001375273.1, NM_001330418.3); c.1655T>G, p.Val552Gly (NM_001411074.1); c.2006T>G, p.Val669Gly (NM_001284333.3); short protein forms V498G, V552G, V584G, V615G, V647G, V661G, V669G.
Identifiers: ClinVar variation 5017497 (VCV005017497.1).